The following is an entry in ClinVar:

ClinVar aggregate classification (germline): Uncertain significance (1 of 4 stars; one submission).

Allele frequency attached by ClinVar (database versions not stated): TOPMed below 0.00001; ExAC 0.00001; gnomAD 0.00001; gnomAD exomes 0.00001.
gnomAD v4.1: 1 of 1,209,637 alleles (0.000083%); highest among the groups gnomAD compares: African/African-American, 0.0018%; no homozygotes.

Submission:

GeneDx
Classification: Uncertain significance. Last evaluated: 2019-05-31. Review status: criteria provided, single submitter. Criteria: GeneDx Variant Classification Process June 2021. Collection method: clinical testing. Allele origin: germline. Affected: yes.
Comment: In silico analysis, which includes protein predictors and evolutionary conservation, supports that this variant does not alter protein structure/function; Has not been previously published as pathogenic or benign to our knowledge

NM_002547.3(OPHN1):c.2288T>C (p.Ile763Thr)

Gene: OPHN1 (oligophrenin 1; minus strand). Cytogenetic location: Xq12.
Variant type: single nucleotide variant.
Coding change: c.2288T>C on transcript NM_002547.3 (MANE Select); coding-DNA position 2288, T replaced by C.
Protein change: p.Ile763Thr; replaces isoleucine 763 with threonine.
Molecular consequence: missense variant.
Genome position (GRCh38, 1-based): chrX:68,053,681, A>G on the plus strand (T>C on the coding strand, the complement: OPHN1 is on the minus strand). VCF-style: chrX-68053681-A-G. GRCh37 (hg19) VCF-style: chrX-67273523-A-G.
Other names: short protein forms I763T.
Identifiers: ClinVar variation 1305855 (VCV001305855.2), dbSNP rs772662176, ClinGen allele CA10436755.